The following is an entry in ClinVar:

ClinVar aggregate classification (germline): Uncertain significance (1 of 4 stars; one submission).

Conditions:
Desmin-related myofibrillar myopathy (MFM1). Also called: Myofibrillar myopathy 1; Desmin related myopathy (former name); Desmin storage myopathy (former name); MYOFIBRILLAR MYOPATHY WITH ARRHYTHMOGENIC RIGHT VENTRICULAR CARDIOMYOPATHY; DESMIN-RELATED MYOPATHY WITH ARRHYTHMOGENIC RIGHT VENTRICULAR CARDIOMYOPATHY; Desminopathy. Identifiers: Orphanet 363543, Orphanet 98909, MedGen C1832370, MONDO:0011076, OMIM 601419.

Submission:

Labcorp Genetics (formerly Invitae), Labcorp
Classification: Uncertain significance for Desmin-related myofibrillar myopathy. Last evaluated: 2022-03-18. Review status: criteria provided, single submitter. Criteria: Invitae Variant Classification Sherloc (09022015). Collection method: clinical testing. Allele origin: germline.
Comment: Algorithms developed to predict the effect of missense changes on protein structure and function (SIFT, PolyPhen-2, Align-GVGD) all suggest that this variant is likely to be disruptive. In summary, the available evidence is currently insufficient to determine the role of this variant in disease. Therefore, it has been classified as a Variant of Uncertain Significance. ClinVar contains an entry for this variant (Variation ID: 1035684). This variant has not been reported in the literature in individuals affected with DES-related conditions. This variant is not present in population databases (gnomAD no frequency). This sequence change replaces isoleucine, which is neutral and non-polar, with asparagine, which is neutral and polar, at codon 277 of the DES protein (p.Ile277Asn).

NM_001927.4(DES):c.830T>A (p.Ile277Asn)

Gene: DES (desmin; plus strand). Cytogenetic location: 2q35.
Variant type: single nucleotide variant.
Coding change: c.830T>A on transcript NM_001927.4 (MANE Select); coding-DNA position 830, T replaced by A.
Protein change: p.Ile277Asn; replaces isoleucine 277 with asparagine.
Molecular consequence: missense variant. On other transcripts: intron variant (1).
Genome position (GRCh38, 1-based): chr2:219,420,589, T>A. VCF-style: chr2-219420589-T-A. GRCh37 (hg19) VCF-style: chr2-220285311-T-A.
Other names: c.827T>A, p.Ile276Asn (NM_001382708.1); c.830T>A, p.Ile277Asn (NM_001382710.1, NM_001382711.1, NM_001382712.1); c.560T>A, p.Ile187Asn (NM_001382713.1); c.735+243T>A (NM_001382709.1); short protein forms I276N, I187N, I277N.
Identifiers: ClinVar variation 1035684 (VCV001035684.9), dbSNP rs1459036752, ClinGen allele CA350691374.